The following is an entry in ClinVar:

ClinVar aggregate classification (germline): Uncertain significance. Review status: criteria provided, multiple submitters, no conflicts (2 of 4 stars). 2 submissions from 2 submitters: Uncertain significance (2). Last evaluated 2025-02-06.

Conditions:
Hereditary cancer-predisposing syndrome. Also called: Neoplastic Syndromes, Hereditary; Hereditary neoplastic syndrome; Tumor predisposition; Hereditary Cancer Syndrome. Identifiers: Orphanet 140162, MedGen C0027672, MeSH D009386, MONDO:0015356.
Bloom syndrome (BLM). Also called: Bloom-Torre-Machacek syndrome. Identifiers: Orphanet 125, MedGen C0005859, MONDO:0008876, OMIM 210900.

Submissions (2):

Ambry Genetics
Classification: Uncertain significance for Hereditary cancer-predisposing syndrome. Last evaluated: 2025-02-06. Review status: criteria provided, single submitter. Criteria: Ambry Variant Classification Scheme 2023. Collection method: clinical testing. Allele origin: germline.
Comment: The p.D251V variant (also known as c.752A>T), located in coding exon 2 of the BLM gene, results from an A to T substitution at nucleotide position 752. The aspartic acid at codon 251 is replaced by valine, an amino acid with highly dissimilar properties. This amino acid position is conserved. In addition, this alteration is predicted to be tolerated by in silico analysis. Since supporting evidence is limited at this time, the clinical significance of this alteration remains unclear.

Labcorp Genetics (formerly Invitae), Labcorp
Classification: Uncertain significance for Bloom syndrome. Last evaluated: 2024-02-17. Review status: criteria provided, single submitter. Criteria: Invitae Variant Classification Sherloc (09022015). Collection method: clinical testing. Allele origin: germline.
Comment: This sequence change replaces aspartic acid, which is acidic and polar, with valine, which is neutral and non-polar, at codon 251 of the BLM protein (p.Asp251Val). This variant is not present in population databases (gnomAD no frequency). This variant has not been reported in the literature in individuals affected with BLM-related conditions. ClinVar contains an entry for this variant (Variation ID: 524777). An algorithm developed to predict the effect of missense changes on protein structure and function (PolyPhen-2) suggests that this variant is likely to be tolerated. In summary, the available evidence is currently insufficient to determine the role of this variant in disease. Therefore, it has been classified as a Variant of Uncertain Significance.

NM_000057.4(BLM):c.752A>T (p.Asp251Val)

Gene: BLM (BLM RecQ like helicase; plus strand). Cytogenetic location: 15q26.1.
Variant type: single nucleotide variant.
Coding change: c.752A>T on transcript NM_000057.4 (MANE Select); coding-DNA position 752, A replaced by T.
Protein change: p.Asp251Val; replaces aspartic acid 251 with valine.
Molecular consequence: missense variant. On other transcripts: 5 prime UTR variant (1).
Genome position (GRCh38, 1-based): chr15:90,750,020, A>T. VCF-style: chr15-90750020-A-T. GRCh37 (hg19) VCF-style: chr15-91293250-A-T.
Other names: c.752A>T (NM_000057.2); c.752A>T, p.Asp251Val (NM_001287246.2, NM_001287247.2); c.-540A>T (NM_001287248.2); short protein forms D251V.
Identifiers: ClinVar variation 524777 (VCV000524777.17), dbSNP rs1555418456, ClinGen allele CA393841482.